The following is an entry in ClinVar:

NM_001035.3(RYR2):c.6150T>C (p.Ser2050=)

Gene: RYR2 (ryanodine receptor 2; plus strand). Cytogenetic location: 1q43.
Variant type: single nucleotide variant.
Coding change: c.6150T>C on transcript NM_001035.3 (MANE Select); coding-DNA position 6150, T replaced by C.
Protein change: p.Ser2050=; no amino-acid change (serine 2050 retained).
Molecular consequence: synonymous variant.
Genome position (GRCh38, 1-based): chr1:237,625,788, T>C. VCF-style: chr1-237625788-T-C. GRCh37 (hg19) VCF-style: chr1-237789088-T-C.
Other names: c.6150T>C, p.Ser2050= (LRG_402t1).
Identifiers: ClinVar variation 463614 (VCV000463614.14), dbSNP rs371310419, ClinGen allele CA087052.

ClinVar aggregate classification (germline): Likely benign. Review status: criteria provided, multiple submitters, no conflicts (2 of 4 stars). 4 submissions from 4 submitters: Likely benign (4). Last evaluated 2025-01-06.

Conditions:
Cardiovascular phenotype. Identifiers: MedGen CN230736.
Catecholaminergic polymorphic ventricular tachycardia (CVPT). Also called: Catecholamine-induced polymorphic ventricular tachycardia. Identifiers: Orphanet 3286, MedGen C5574922, MONDO:0017990.
Cardiomyopathy (CMYO). Also called: Cardiomyopathies. Identifiers: Orphanet 167848, MedGen C0878544, MONDO:0004994, HP:0001638. Inheritance: Various modes of inheritance.
Catecholaminergic polymorphic ventricular tachycardia 1. Also called: VENTRICULAR TACHYCARDIA, STRESS-INDUCED POLYMORPHIC 1; VENTRICULAR TACHYCARDIA, CATECHOLAMINERGIC POLYMORPHIC, 1, WITH OR WITHOUT ATRIAL DYSFUNCTION AND/OR DILATED CARDIOMYOPATHY; RYR2-Related Catecholaminergic Polymorphic Ventricular Tachycardia. Identifiers: Orphanet 3286, MedGen C1631597, MONDO:0011484, OMIM 604772.

Allele frequency attached by ClinVar (database versions not stated): gnomAD exomes below 0.00001; TOPMed 0.00002; ESP Exome Variant Server 0.00008.
gnomAD v4.1: 6 of 1,613,330 alleles (0.00037%); highest among the groups gnomAD compares: Non-Finnish European, 0.00051%; no homozygotes.

Submissions (4):

Labcorp Genetics (formerly Invitae), Labcorp
Classification: Likely benign for Catecholaminergic polymorphic ventricular tachycardia 1. Last evaluated: 2025-01-06. Review status: criteria provided, single submitter. Criteria: Invitae Variant Classification Sherloc (09022015). Collection method: clinical testing. Allele origin: germline.

All of Us Research Program, National Institutes of Health
Classification: Likely benign for Catecholaminergic polymorphic ventricular tachycardia. Last evaluated: 2023-08-15. Review status: criteria provided, single submitter. Criteria: ACMG Guidelines, 2015. Collection method: clinical testing. Allele origin: germline. Inheritance: Autosomal dominant inheritance. Observed: 1 variant allele, 1 heterozygote.
Comment: This study involves interpretation of variants in research participants for the purpose of population health screening. Participant phenotype was not available at the time of variant classification. Additional details can be found in publication PMID: 35346344, PMCID: PMC8962531

Color Diagnostics, LLC DBA Color Health
Classification: Likely benign for Cardiomyopathy. Last evaluated: 2022-11-06. Review status: criteria provided, single submitter. Criteria: ACMG Guidelines, 2015. Collection method: clinical testing. Allele origin: germline.

Ambry Genetics
Classification: Likely benign for Cardiovascular phenotype. Last evaluated: 2021-07-30. Review status: criteria provided, single submitter. Criteria: Ambry Variant Classification Scheme 2023. Collection method: clinical testing. Allele origin: germline.